The following is an entry in ClinVar:

NM_000168.6(GLI3):c.4104C>T (p.His1368=)

Gene: GLI3 (GLI family zinc finger 3; minus strand). Cytogenetic location: 7p14.1.
Variant type: single nucleotide variant.
Coding change: c.4104C>T on transcript NM_000168.6 (MANE Select); coding-DNA position 4104, C replaced by T.
Protein change: p.His1368=; no amino-acid change (histidine 1368 retained).
Molecular consequence: synonymous variant.
Genome position (GRCh38, 1-based): chr7:41,964,969, G>A on the plus strand (C>T on the coding strand, the complement: GLI3 is on the minus strand). VCF-style: chr7-41964969-G-A. GRCh37 (hg19) VCF-style: chr7-42004567-G-A.
Identifiers: ClinVar variation 1147570 (VCV001147570.17), dbSNP rs780530149, ClinGen allele CA4230189.

ClinVar aggregate classification (germline): Likely benign. Review status: criteria provided, multiple submitters, no conflicts (2 of 4 stars). 2 submissions from 2 submitters: Likely benign (2). Last evaluated 2026-01-05.

Conditions:
Pallister-Hall syndrome (PHS). Also called: GLI3-Related Pallister-Hall Syndrome; HYPOTHALAMIC HAMARTOBLASTOMA, HYPOPITUITARISM, IMPERFORATE ANUS, AND POSTAXIAL POLYDACTYLY. Identifiers: Orphanet 672, MedGen C0265220, MONDO:0007804, OMIM 146510.
Greig cephalopolysyndactyly syndrome (GCPS). Also called: Greig syndrome; GLI3-Related Greig Cephalopolysyndactyly Syndrome; POLYSYNDACTYLY WITH PECULIAR SKULL SHAPE. Identifiers: Orphanet 380, MedGen C0265306, MONDO:0008287, OMIM 175700.

Allele frequency attached by ClinVar (database versions not stated): gnomAD exomes below 0.00001 and 0.00003; ExAC 0.00001; TOPMed 0.00002; gnomAD 0.00004.
gnomAD v4.1: 54 of 1,613,610 alleles (0.0033%); highest among the groups gnomAD compares: African/African-American, 0.02%; no homozygotes.

Submissions (2):

Labcorp Genetics (formerly Invitae), Labcorp
Classification: Likely benign for Pallister-Hall syndrome; Greig cephalopolysyndactyly syndrome. Last evaluated: 2026-01-05. Review status: criteria provided, single submitter. Criteria: Invitae Variant Classification Sherloc (09022015). Collection method: clinical testing. Allele origin: germline.

CeGaT Center for Human Genetics Tuebingen
Classification: Likely benign. Last evaluated: 2025-07-01. Review status: criteria provided, single submitter. Criteria: CeGaT Center For Human Genetics Tuebingen Variant Classification Criteria Version 2. Collection method: clinical testing. Allele origin: germline. Affected: yes. Observed: 1 variant allele.
Comment: GLI3: BP4, BP7